The following is an entry in ClinVar:

ClinVar aggregate classification (germline): Uncertain significance (1 of 4 stars; one submission).

Conditions:
Developmental and epileptic encephalopathy, 1 (DEE1). Also called: X-linked infantile spasms; West's syndrome; Tonic spasms with clustering, arrest of psychomotor development and hypsarrhythmia on EEG; X-Linked Infantile Spasm Syndrome; OHTAHARA SYNDROME, X-LINKED; INFANTILE SPASM SYNDROME, X-LINKED 1. Identifiers: MedGen C3463992, MONDO:0010632, OMIM 308350. Disease mechanism: loss of function.
Autosomal dominant nonsyndromic hearing loss 65. Also called: Deafness, autosomal dominant 65; TBC1D24-Related Autosomal Dominant Nonsyndromic Hearing Loss (DFNA). Identifiers: Orphanet 90635, MedGen C3892048, MONDO:0014470, OMIM 616044.

Submission:

Labcorp Genetics (formerly Invitae), Labcorp
Classification: Uncertain significance for Developmental and epileptic encephalopathy, 1; Autosomal dominant nonsyndromic hearing loss 65. Last evaluated: 2021-08-31. Review status: criteria provided, single submitter. Criteria: Invitae Variant Classification Sherloc (09022015). Collection method: clinical testing. Allele origin: germline.
Comment: This sequence change replaces proline with histidine at codon 537 of the TBC1D24 protein (p.Pro537His). The proline residue is highly conserved and there is a moderate physicochemical difference between proline and histidine. This variant is not present in population databases (ExAC no frequency). This variant has not been reported in the literature in individuals affected with TBC1D24-related conditions. Advanced modeling of protein sequence and biophysical properties (such as structural, functional, and spatial information, amino acid conservation, physicochemical variation, residue mobility, and thermodynamic stability) performed at Invitae indicates that this missense variant is expected to disrupt TBC1D24 protein function. In summary, the available evidence is currently insufficient to determine the role of this variant in disease. Therefore, it has been classified as a Variant of Uncertain Significance.

NM_001199107.2(TBC1D24):c.1610C>A (p.Pro537His)

Gene: TBC1D24 (TBC1 domain family member 24; plus strand). Cytogenetic location: 16p13.3.
Variant type: single nucleotide variant.
Coding change: c.1610C>A on transcript NM_001199107.2 (MANE Select); coding-DNA position 1610, C replaced by A.
Protein change: p.Pro537His; replaces proline 537 with histidine.
Molecular consequence: missense variant.
Genome position (GRCh38, 1-based): chr16:2,500,888, C>A. VCF-style: chr16-2500888-C-A. GRCh37 (hg19) VCF-style: chr16-2550889-C-A.
Other names: c.1592C>A, p.Pro531His (NM_020705.3); short protein forms P531H, P537H.
Identifiers: ClinVar variation 1967951 (VCV001967951.5), dbSNP rs1360815379, ClinGen allele CA394382266.
Genomic context (GRCh38, chr16:2,500,888, plus strand): 5'-ACATCGATGGGGACCTGAACCGGGGCCGCACAAGCCACTGCGACACCTTCAACAACCAGC[C>A]CCTCTGCTCCGAGAACTTCCTCATTGCTGCCGTGGAGGCCTGGGGCTTCCAGGACCCTGA-3'
Protein context (NP_001186036.1, residues 527-547): TSHCDTFNNQ[Pro537His]LCSENFLIAA